The following is an entry in ClinVar:

NM_001367561.1(DOCK7):c.1481G>A (p.Arg494Lys)

Gene: DOCK7 (dedicator of cytokinesis 7; minus strand). Cytogenetic location: 1p31.3.
Variant type: single nucleotide variant.
Coding change: c.1481G>A on transcript NM_001367561.1 (MANE Select); coding-DNA position 1481, G replaced by A.
Protein change: p.Arg494Lys; replaces arginine 494 with lysine.
Molecular consequence: missense variant.
Genome position (GRCh38, 1-based): chr1:62,619,938, C>T on the plus strand (G>A on the coding strand, the complement: DOCK7 is on the minus strand). VCF-style: chr1-62619938-C-T. GRCh37 (hg19) VCF-style: chr1-63085609-C-T.
Other names: c.1481G>A, p.Arg494Lys (NM_001271999.2, NM_001272000.2, NM_001272001.2 and 3 more transcripts); short protein forms R494K.
Identifiers: ClinVar variation 1054627 (VCV001054627.8), dbSNP rs2149588768, ClinGen allele CA340614346.

ClinVar aggregate classification (germline): Uncertain significance. Review status: criteria provided, multiple submitters, no conflicts (2 of 4 stars). 2 submissions from 2 submitters: Uncertain significance (2). Last evaluated 2022-08-01.

Conditions:
Developmental and epileptic encephalopathy, 23 (DEE23). Also called: Epileptic encephalopathy, early infantile, 23. Identifiers: Orphanet 411986, MedGen C4014492, MONDO:0014371, OMIM 615859.

gnomAD v4.1: 8 of 1,613,654 alleles (0.0005%); highest among the groups gnomAD compares: Non-Finnish European, 0.00068%; no homozygotes.

Submissions (2):

Blueprint Genetics
Classification: Uncertain significance. Last evaluated: 2022-08-01. Review status: criteria provided, single submitter. Criteria: ACMG Guidelines, 2015. Collection method: clinical testing. Allele origin: germline.

Labcorp Genetics (formerly Invitae), Labcorp
Classification: Uncertain significance for Developmental and epileptic encephalopathy, 23. Last evaluated: 2020-06-19. Review status: criteria provided, single submitter. Criteria: Invitae Variant Classification Sherloc (09022015). Collection method: clinical testing. Allele origin: germline.
Comment: Algorithms developed to predict the effect of missense changes on protein structure and function are either unavailable or do not agree on the potential impact of this missense change (SIFT: "Deleterious"; PolyPhen-2: "Benign"; Align-GVGD: "Class C0"). This variant has not been reported in the literature in individuals with DOCK7-related conditions. This variant is not present in population databases (ExAC no frequency). This sequence change replaces arginine with lysine at codon 494 of the DOCK7 protein (p.Arg494Lys). The arginine residue is highly conserved and there is a small physicochemical difference between arginine and lysine. In summary, the available evidence is currently insufficient to determine the role of this variant in disease. Therefore, it has been classified as a Variant of Uncertain Significance.